The following is an entry in ClinVar:

NM_016065.4(MRPS16):c.14-12G>A

Genes: DNAJC9-AS1 (DNAJC9 and MRPS16 antisense RNA 1; plus strand), MRPS16 (mitochondrial ribosomal protein S16; minus strand). Cytogenetic location: 10q22.2.
Variant type: single nucleotide variant.
Coding change: c.14-12G>A on transcript NM_016065.4 (MANE Select); 12 bases into the intron before coding-DNA position 14, G replaced by A.
Molecular consequence: intron variant.
Genome position (GRCh38, 1-based): chr10:73,252,035, C>T on the plus strand (G>A on the coding strand, the complement: MRPS16 is on the minus strand). VCF-style: chr10-73252035-C-T. GRCh37 (hg19) VCF-style: chr10-75011793-C-T.
Identifiers: ClinVar variation 300725 (VCV000300725.9), dbSNP rs11594611, ClinGen allele CA5553443.

ClinVar aggregate classification (germline): Likely benign. Review status: criteria provided, multiple submitters, no conflicts (2 of 4 stars). 2 submissions from 2 submitters: Likely benign (2). Last evaluated 2024-10-22.

Allele frequency attached by ClinVar (database versions not stated): gnomAD exomes 0.00002; ExAC 0.00003; gnomAD 0.00009; TOPMed 0.00009.
gnomAD v4.1: 37 of 1,610,898 alleles (0.0023%); highest among the groups gnomAD compares: African/African-American, 0.008%; no homozygotes.

Submissions (2):

Labcorp Genetics (formerly Invitae), Labcorp
Classification: Likely benign. Last evaluated: 2024-10-22. Review status: criteria provided, single submitter. Criteria: Invitae Variant Classification Sherloc (09022015). Collection method: clinical testing. Allele origin: germline.

GeneDx
Classification: Likely benign. Last evaluated: 2017-02-06. Review status: criteria provided, single submitter. Criteria: GeneDx Variant Classification (06012015). Collection method: clinical testing. Allele origin: germline. Affected: yes.
Comment: This variant is considered likely benign or benign based on one or more of the following criteria: it is a conservative change, it occurs at a poorly conserved position in the protein, it is predicted to be benign by multiple in silico algorithms, and/or has population frequency not consistent with disease.